The following is an entry in ClinVar:

NM_002016.2(FLG):c.1133C>A (p.Ser378Ter)

Genes: CCDST (cervical cancer associated DHX9 suppressive transcript; plus strand), FLG (filaggrin; minus strand). Cytogenetic location: 1q21.3.
Variant type: single nucleotide variant.
Coding change: c.1133C>A on transcript NM_002016.2 (MANE Select); coding-DNA position 1133, C replaced by A.
Protein change: p.Ser378Ter; replaces serine 378 with a stop codon.
Molecular consequence: nonsense. On other transcripts: non-coding transcript variant (1).
Genome position (GRCh38, 1-based): chr1:152,313,753, G>T on the plus strand (C>A on the coding strand, the complement: FLG is on the minus strand). VCF-style: chr1-152313753-G-T. GRCh37 (hg19) VCF-style: chr1-152286229-G-T.
Other names: short protein forms S378*.
Identifiers: ClinVar variation 5007764 (VCV005007764.2).

ClinVar aggregate classification (germline): Uncertain significance (1 of 4 stars; one submission).

Conditions:
Ichthyosis vulgaris. Also called: ICHTHYOSIS SIMPLEX; Dominant ichthyosis vulgaris. Identifiers: MedGen C0079584, MONDO:0024304, OMIM 146700.
Dermatitis, atopic, 2. Identifiers: MedGen C1853965, MONDO:0011596, OMIM 605803.

Submission:

Juno Genomics, Hangzhou Juno Genomics, Inc
Classification: Uncertain significance for Dermatitis, atopic, 2; Ichthyosis vulgaris. Review status: criteria provided, single submitter. Criteria: ACMG Guidelines, 2015. Collection method: clinical testing. Allele origin: germline.
Comment: Null variant in a gene where loss of function (LOF) is a known mechanism of disease.;Absent from controls (or at extremely low frequency if recessive) in Genome Aggregation Database.